The following is an entry in ClinVar:

NM_145239.3(PRRT2):c.521_530del (p.Ser174fs)

Genes: MVP-DT (MVP divergent transcript; minus strand), PRRT2 (proline rich transmembrane protein 2; plus strand). Cytogenetic location: 16p11.2.
Variant type: Deletion.
Coding change: c.521_530del on transcript NM_145239.3 (MANE Select); coding-DNA positions 521 to 530, 10 bases deleted (GTGTAGGGGA; older notation c.521_530delGTGTAGGGGA).
Protein change: p.Ser174fs; shifts the reading frame from serine 174.
Molecular consequence: frameshift variant.
Genome position (GRCh38, 1-based): chr16:29,813,575-29,813,584, GTGTAGGGGA deleted; deleting any 10 consecutive bases within chr16:29,813,573-29,813,584 gives the same sequence; the c. name uses the placement nearest the transcript's 3' end. VCF-style (leftmost placement, unchanged base first): chr16-29813572-AGAGTGTAGGG-A. GRCh37 (hg19) VCF-style: chr16-29824893-AGAGTGTAGGG-A.
Other names: c.521_530del, p.Ser174fs (NM_001256442.2, NM_001256443.2); short protein forms S174fs.
Identifiers: ClinVar variation 1709692 (VCV001709692.2), dbSNP rs2543334133, ClinGen allele CA2580091505.

ClinVar aggregate classification (germline): Likely pathogenic (1 of 4 stars; one submission).

Conditions:
Episodic kinesigenic dyskinesia 1 (EKD1). Also called: Dystonia 10; DYSTONIA, FAMILIAL PAROXYSMAL; PAROXYSMAL KINESIGENIC CHOREOATHETOSIS; PRRT2-Related Paroxysmal Kinesigenic Dyskinesia (PKD); PxMD-PRRT2. Identifiers: Orphanet 98809, MedGen C4552000, MONDO:0100352, OMIM 128200, MONDO:0007494.

Submission:

MGZ Medical Genetics Center
Classification: Likely pathogenic for Episodic kinesigenic dyskinesia 1. Last evaluated: 2022-07-27. Review status: criteria provided, single submitter. Criteria: ACMG Guidelines, 2015. Collection method: clinical testing. Allele origin: germline. Affected: yes. Observed: 1 variant allele.
Comment: ACMG criteria applied: PVS1, PM2_SUP